The following is an entry in ClinVar:

NM_000521.4(HEXB):c.1577_1578del (p.Ala525_Tyr526insTer)

Gene: HEXB (hexosaminidase subunit beta; plus strand). Cytogenetic location: 5q13.3.
Variant type: Deletion.
Coding change: c.1577_1578del on transcript NM_000521.4 (MANE Select); coding-DNA positions 1577 to 1578, 2 bases deleted (AT; older notation c.1577_1578delAT).
Protein change: p.Ala525_Tyr526insTer.
Molecular consequence: nonsense.
Genome position (GRCh38, 1-based): chr5:74,720,711-74,720,712, AT deleted; deleting any 2 consecutive bases within chr5:74,720,710-74,720,712 gives the same sequence; the c. name uses the placement nearest the transcript's 3' end. VCF-style (leftmost placement, unchanged base first): chr5-74720709-CTA-C. GRCh37 (hg19) VCF-style: chr5-74016534-CTA-C.
Other names: c.902_903del, p.Ala300_Tyr301insTer (NM_001292004.2).
Identifiers: ClinVar variation 2717845 (VCV002717845.3), dbSNP rs2478773552, ClinGen allele CA2697547214.

ClinVar aggregate classification (germline): Pathogenic (1 of 4 stars; one submission).

Conditions:
Sandhoff disease. Also called: GM2-GANGLIOSIDOSIS, TYPE II; HEXOSAMINIDASES A AND B DEFICIENCY; Beta-hexosaminidase-beta-subunit deficiency; GM2 gangliosidosis, type 2; Total hexosaminidase deficiency; Sandhoff-Jatzkewitz-Pilz disease. Identifiers: Orphanet 796, MedGen C0036161, MONDO:0010006, OMIM 268800.

Submission:

Labcorp Genetics (formerly Invitae), Labcorp
Classification: Pathogenic for Sandhoff disease. Last evaluated: 2023-06-16. Review status: criteria provided, single submitter. Criteria: Invitae Variant Classification Sherloc (09022015). Collection method: clinical testing. Allele origin: germline.
Comment: For these reasons, this variant has been classified as Pathogenic. This variant disrupts a region of the HEXB protein in which other variant(s) (p.Cys551Tyr) have been determined to be pathogenic (PMID: 24461908, 33407268). This suggests that this is a clinically significant region of the protein, and that variants that disrupt it are likely to be disease-causing. This variant has not been reported in the literature in individuals affected with HEXB-related conditions. This variant is not present in population databases (gnomAD no frequency). This sequence change creates a premature translational stop signal (p.Tyr526*) in the HEXB gene. While this is not anticipated to result in nonsense mediated decay, it is expected to disrupt the last 31 amino acid(s) of the HEXB protein.

Literature cited by the submitters: PubMed 24461908; PubMed 33407268.